The following is an entry in ClinVar:

ClinVar aggregate classification (germline): Uncertain significance (1 of 4 stars; one submission).

Conditions:
Aortic valve disease 2 (AOVD2). Identifiers: MedGen C3542024, MONDO:0013902, OMIM 614823.

Allele frequency attached by ClinVar (database versions not stated): TOPMed below 0.00001; gnomAD exomes 0.00001.
gnomAD v4.1: 8 of 1,431,610 alleles (0.00056%); highest among the groups gnomAD compares: Non-Finnish European, 0.00074%; no homozygotes.

Submission:

Labcorp Genetics (formerly Invitae), Labcorp
Classification: Uncertain significance for Aortic valve disease 2. Last evaluated: 2021-01-06. Review status: criteria provided, single submitter. Criteria: Invitae Variant Classification Sherloc (09022015). Collection method: clinical testing. Allele origin: germline.
Comment: In summary, the available evidence is currently insufficient to determine the role of this variant in disease. Therefore, it has been classified as a Variant of Uncertain Significance. Algorithms developed to predict the effect of missense changes on protein structure and function are either unavailable or do not agree on the potential impact of this missense change (SIFT: "Tolerated"; PolyPhen-2: "Probably Damaging"; Align-GVGD: "Class C0"). This variant has not been reported in the literature in individuals with SMAD6-related conditions. The frequency data for this variant in the population databases is considered unreliable, as metrics indicate insufficient coverage at this position in the ExAC database. This sequence change replaces glutamic acid with glutamine at codon 185 of the SMAD6 protein (p.Glu185Gln). The glutamic acid residue is highly conserved and there is a small physicochemical difference between glutamic acid and glutamine.

NM_005585.5(SMAD6):c.553G>C (p.Glu185Gln)

Gene: SMAD6 (SMAD family member 6; plus strand). Cytogenetic location: 15q22.31.
Variant type: single nucleotide variant.
Coding change: c.553G>C on transcript NM_005585.5 (MANE Select); coding-DNA position 553, G replaced by C.
Protein change: p.Glu185Gln; replaces glutamic acid 185 with glutamine.
Molecular consequence: missense variant. On other transcripts: non-coding transcript variant (1).
Genome position (GRCh38, 1-based): chr15:66,703,811, G>C. VCF-style: chr15-66703811-G-C. GRCh37 (hg19) VCF-style: chr15-66996149-G-C.
Other names: short protein forms E185Q.
Identifiers: ClinVar variation 1442341 (VCV001442341.8), dbSNP rs1893039406, ClinGen allele CA392949778.